The following is an entry in ClinVar:

NM_014244.5(ADAMTS2):c.2047A>G (p.Lys683Glu)

Gene: ADAMTS2 (ADAM metallopeptidase with thrombospondin type 1 motif 2; minus strand). Cytogenetic location: 5q35.3.
Variant type: single nucleotide variant.
Coding change: c.2047A>G on transcript NM_014244.5 (MANE Select); coding-DNA position 2047, A replaced by G.
Protein change: p.Lys683Glu; replaces lysine 683 with glutamic acid.
Molecular consequence: missense variant.
Genome position (GRCh38, 1-based): chr5:179,135,947, T>C on the plus strand (A>G on the coding strand, the complement: ADAMTS2 is on the minus strand). VCF-style: chr5-179135947-T-C. GRCh37 (hg19) VCF-style: chr5-178562948-T-C.
Other names: c.2047A>G (NM_014244.4); short protein forms K683E.
Identifiers: ClinVar variation 2149139 (VCV002149139.5), dbSNP rs900619071, ClinGen allele CA133037626.

ClinVar aggregate classification (germline): Uncertain significance. Review status: criteria provided, multiple submitters, no conflicts (2 of 4 stars). 2 submissions from 2 submitters: Uncertain significance (2). Last evaluated 2025-09-12.

Conditions:
Ehlers-Danlos syndrome, dermatosparaxis type. Also called: Ehlers-Danlos syndrome, type VII, autosomal recessive; EDS VIIC; Dermatosparaxis. Identifiers: Orphanet 1901, MedGen C2700425, MONDO:0009161, OMIM 225410.

Allele frequency attached by ClinVar (database versions not stated): gnomAD exomes below 0.00001; TOPMed below 0.00001; gnomAD 0.00001.
gnomAD v4.1: 3 of 1,613,128 alleles (0.00019%); highest among the groups gnomAD compares: Non-Finnish European, 0.00025%; no homozygotes.

Submissions (2):

GeneDx
Classification: Uncertain significance. Last evaluated: 2025-09-12. Review status: criteria provided, single submitter. Criteria: GeneDx Variant Classification Process June 2021. Collection method: clinical testing. Allele origin: germline.
Comment: Not observed at significant frequency in large population cohorts (gnomAD); In silico analysis suggests that this missense variant does not alter protein structure/function; Has not been previously published as pathogenic or benign to our knowledge

Labcorp Genetics (formerly Invitae), Labcorp
Classification: Uncertain significance for Ehlers-Danlos syndrome, dermatosparaxis type. Last evaluated: 2024-05-12. Review status: criteria provided, single submitter. Criteria: Invitae Variant Classification Sherloc (09022015). Collection method: clinical testing. Allele origin: germline.
Comment: This sequence change replaces lysine, which is basic and polar, with glutamic acid, which is acidic and polar, at codon 683 of the ADAMTS2 protein (p.Lys683Glu). This variant is present in population databases (no rsID available, gnomAD 0.0009%). This variant has not been reported in the literature in individuals affected with ADAMTS2-related conditions. ClinVar contains an entry for this variant (Variation ID: 2149139). An algorithm developed to predict the effect of missense changes on protein structure and function (PolyPhen-2) suggests that this variant is likely to be tolerated. In summary, the available evidence is currently insufficient to determine the role of this variant in disease. Therefore, it has been classified as a Variant of Uncertain Significance.